The following is an entry in ClinVar:

ClinVar aggregate classification (germline): Uncertain significance. Review status: criteria provided, multiple submitters, no conflicts (2 of 4 stars). 2 submissions from 2 submitters: Uncertain significance (2). Last evaluated 2022-03-18.

Conditions:
Bethlem myopathy 1A. Also called: Bethlem myopathy 1; MYOPATHY, BENIGN CONGENITAL, WITH CONTRACTURES; Bethlem Muscular Dystrophy. Identifiers: Orphanet 610, MedGen CN029274, MONDO:0024530, OMIM 158810.

gnomAD v4.1: 2 of 1,614,206 alleles (0.00012%); highest among the groups gnomAD compares: Non-Finnish European, 0.00017%; no homozygotes.

Submissions (2):

Labcorp Genetics (formerly Invitae), Labcorp
Classification: Uncertain significance for Bethlem myopathy 1A. Last evaluated: 2022-03-18. Review status: criteria provided, single submitter. Criteria: Invitae Variant Classification Sherloc (09022015). Collection method: clinical testing. Allele origin: germline.
Comment: In summary, the available evidence is currently insufficient to determine the role of this variant in disease. Therefore, it has been classified as a Variant of Uncertain Significance. ClinVar contains an entry for this variant (Variation ID: 1303495). This sequence change replaces alanine, which is neutral and non-polar, with serine, which is neutral and polar, at codon 978 of the COL6A3 protein (p.Ala978Ser). This variant is not present in population databases (gnomAD no frequency). This variant has not been reported in the literature in individuals affected with COL6A3-related conditions. Advanced modeling of protein sequence and biophysical properties (such as structural, functional, and spatial information, amino acid conservation, physicochemical variation, residue mobility, and thermodynamic stability) performed at Invitae indicates that this missense variant is not expected to disrupt COL6A3 protein function.

GeneDx
Classification: Uncertain significance. Last evaluated: 2020-01-29. Review status: criteria provided, single submitter. Criteria: GeneDx Variant Classification Process June 2021. Collection method: clinical testing. Allele origin: germline. Affected: yes.
Comment: Not observed in large population cohorts (Lek et al., 2016); In silico analysis, which includes protein predictors and evolutionary conservation, supports that this variant does not alter protein structure/function; Has not been previously published as pathogenic or benign to our knowledge

NM_004369.4(COL6A3):c.2932G>T (p.Ala978Ser)

Gene: COL6A3 (collagen type VI alpha 3 chain; minus strand). Cytogenetic location: 2q37.3.
Variant type: single nucleotide variant.
Coding change: c.2932G>T on transcript NM_004369.4 (MANE Select); coding-DNA position 2932, G replaced by T.
Protein change: p.Ala978Ser; replaces alanine 978 with serine.
Molecular consequence: missense variant.
Genome position (GRCh38, 1-based): chr2:237,376,910, C>A on the plus strand (G>T on the coding strand, the complement: COL6A3 is on the minus strand). VCF-style: chr2-237376910-C-A. GRCh37 (hg19) VCF-style: chr2-238285553-C-A.
Other names: c.1711G>T, p.Ala571Ser (NM_057164.5); c.2314G>T, p.Ala772Ser (NM_057165.5, NM_057167.4); c.1111G>T, p.Ala371Ser (NM_057166.5); short protein forms A371S, A571S, A772S, A978S.
Identifiers: ClinVar variation 1303495 (VCV001303495.7), dbSNP rs768292803, ClinGen allele CA351208684.
Genomic context (GRCh38, chr2:237,376,910, plus strand): 5'-ACTCTGCAGCCAGGATAAACGCTGGAGACAGCACGATCTGCTCTAACTCAGCAGGGTCTG[C>A]GTTCTTGGCTTGGAAGATGAAAGGCACAACCCCACTCTGCTTCAGGTTACTTGCTGGCCC-3'
Protein context (NP_004360.2, residues 968-988): VVPFIFQAKN[Ala978Ser]DPAELEQIVL